The following is an entry in ClinVar:

NM_001393769.1(MED12L):c.2243T>C (p.Ile748Thr)

Gene: MED12L (mediator complex subunit 12L; plus strand). Cytogenetic location: 3q25.1.
Variant type: single nucleotide variant.
Coding change: c.2243T>C on transcript NM_001393769.1 (MANE Select); coding-DNA position 2243, T replaced by C.
Protein change: p.Ile748Thr; replaces isoleucine 748 with threonine.
Molecular consequence: missense variant.
Genome position (GRCh38, 1-based): chr3:151,193,659, T>C. VCF-style: chr3-151193659-T-C. GRCh37 (hg19) VCF-style: chr3-150911446-T-C.
Other names: c.2138T>C, p.Ile713Thr (NM_053002.6); short protein forms I713T, I748T.
Identifiers: ClinVar variation 3602150 (VCV003602150.1).

ClinVar aggregate classification (germline): Uncertain significance (1 of 4 stars; one submission).

Submission:

GeneDx
Classification: Uncertain significance. Last evaluated: 2024-08-01. Review status: criteria provided, single submitter. Criteria: GeneDx Variant Classification Process June 2021. Collection method: clinical testing. Allele origin: germline. Affected: yes.
Comment: Not observed at significant frequency in large population cohorts (gnomAD); In silico analysis supports that this missense variant has a deleterious effect on protein structure/function; Has not been previously published as pathogenic or benign to our knowledge